The following is an entry in ClinVar:

NM_006206.6(PDGFRA):c.291G>A (p.Leu97=)

Gene: PDGFRA (platelet derived growth factor receptor alpha; plus strand). Cytogenetic location: 4q12.
Variant type: single nucleotide variant.
Coding change: c.291G>A on transcript NM_006206.6 (MANE Select); coding-DNA position 291, G replaced by A.
Protein change: p.Leu97=; no amino-acid change (leucine 97 retained).
Molecular consequence: synonymous variant.
Genome position (GRCh38, 1-based): chr4:54,261,336, G>A. VCF-style: chr4-54261336-G-A. GRCh37 (hg19) VCF-style: chr4-55127503-G-A.
Other names: c.291G>A, p.Leu97= (NM_001347827.2, NM_001347829.2); c.366G>A, p.Leu122= (NM_001347828.2); c.330G>A, p.Leu110= (NM_001347830.2).
Identifiers: ClinVar variation 799295 (VCV000799295.14), dbSNP rs1577705652, ClinGen allele CA439408705.

ClinVar aggregate classification (germline): Benign/Likely benign. Review status: criteria provided, multiple submitters, no conflicts (2 of 4 stars). 3 submissions from 3 submitters: Benign (1); Likely benign (2). Last evaluated 2026-06-16.

Conditions:
Polyps, multiple and recurrent inflammatory fibroid, gastrointestinal. Identifiers: MedGen C5193005, MONDO:0008285, OMIM 175510.
Gastrointestinal stromal tumor. Also called: Gastrointestinal stromal tumor, somatic; Gastrointestinal stroma tumor. Identifiers: Orphanet 44890, MedGen C0238198, MeSH D046152, MONDO:0011719, OMIM 606764, HP:0100723.
Hereditary cancer-predisposing syndrome. Also called: Neoplastic Syndromes, Hereditary; Hereditary Cancer Syndrome; Hereditary neoplastic syndrome; Tumor predisposition. Identifiers: Orphanet 140162, MedGen C0027672, MeSH D009386, MONDO:0015356.

Submissions (3):

Myriad Genetics, Inc.
Classification: Benign for Polyps, multiple and recurrent inflammatory fibroid, gastrointestinal. Last evaluated: 2026-06-16. Review status: criteria provided, single submitter. Criteria: Myriad Autosomal Dominant, Autosomal Recessive and X-Linked Classification Criteria (2023). Collection method: clinical testing. Allele origin: unknown.
Comment: This variant is considered benign. This variant is a silent/synonymous amino acid change and it is not expected to impact splicing.

Labcorp Genetics (formerly Invitae), Labcorp
Classification: Likely benign for Gastrointestinal stromal tumor. Last evaluated: 2022-12-15. Review status: criteria provided, single submitter. Criteria: Invitae Variant Classification Sherloc (09022015). Collection method: clinical testing. Allele origin: germline.

Ambry Genetics
Classification: Likely benign for Hereditary cancer-predisposing syndrome. Last evaluated: 2022-08-08. Review status: criteria provided, single submitter. Criteria: Ambry Variant Classification Scheme 2023. Collection method: clinical testing. Allele origin: germline.